The following is an entry in ClinVar:

NM_001018115.3(FANCD2):c.3776A>T (p.Gln1259Leu)

Genes: FANCD2 (FA complementation group D2; plus strand), FANCD2OS (FANCD2 opposite strand; minus strand). Cytogenetic location: 3p25.3.
Variant type: single nucleotide variant.
Coding change: c.3776A>T on transcript NM_001018115.3 (MANE Select); coding-DNA position 3776, A replaced by T.
Protein change: p.Gln1259Leu; replaces glutamine 1259 with leucine.
Molecular consequence: missense variant. On other transcripts: intron variant (1).
Genome position (GRCh38, 1-based): chr3:10,090,384, A>T. VCF-style: chr3-10090384-A-T. GRCh37 (hg19) VCF-style: chr3-10132068-A-T.
Other names: c.3776A>T, p.Gln1259Leu (NM_001319984.2, NM_001374254.1, NM_033084.6); c.3665A>T, p.Gln1222Leu (NM_001374253.1); c.*44-8853T>A (NM_173472.2); short protein forms Q1222L, Q1259L.
Identifiers: ClinVar variation 998268 (VCV000998268.4), dbSNP rs1486214768, ClinGen allele CA351755496.
Genomic context (GRCh38, chr3:10,090,384, plus strand): 5'-TGGCTGAACTAGAGAAGACGGTGAAAAAAATTGAGCCTGGCACAGCAGCAGACTCGCAGC[A>T]GGTGAGTAAGATAATAGTCACTTCAAGAAGTGGACTTTGGATTACTTGGAAGTTGCTGAT-3'
Protein context (NP_001018125.1, residues 1249-1269): IEPGTAADSQ[Gln1259Leu]IHEEKLLYWN

ClinVar aggregate classification (germline): Uncertain significance. Review status: criteria provided, multiple submitters, no conflicts (2 of 4 stars). 2 submissions from 2 submitters: Uncertain significance (2). Last evaluated 2025-08-02.

Conditions:
Fanconi anemia complementation group D2. Also called: FANCD2-Related Fanconi Anemia; FANCONI PANCYTOPENIA, TYPE 4; FANCONI ANEMIA, COMPLEMENTATION GROUP D. Identifiers: Orphanet 84, MedGen C3160738, MONDO:0009214, OMIM 227646.
Inborn genetic diseases. Identifiers: MedGen C0950123, MeSH D030342.

Allele frequency attached by ClinVar (database versions not stated): gnomAD exomes below 0.00001; TOPMed below 0.00001.
gnomAD v4.1: 1 of 1,594,872 alleles (0.000063%); highest among the groups gnomAD compares: Admixed American, 0.0017%; no homozygotes.

Submissions (2):

Ambry Genetics
Classification: Uncertain significance for Inborn genetic diseases. Last evaluated: 2025-08-02. Review status: criteria provided, single submitter. Criteria: Ambry Variant Classification Scheme 2023. Collection method: clinical testing. Allele origin: germline.

Baylor Genetics
Classification: Uncertain significance for Fanconi anemia complementation group D2. Last evaluated: 2020-06-16. Review status: criteria provided, single submitter. Criteria: ACMG Guidelines, 2015. Collection method: clinical testing. Allele origin: unknown. Affected: yes. Study: CSER-TexasKidsCanSeq.
Comment: This variant was determined to be of uncertain significance according to ACMG Guidelines, 2015 [PMID:25741868].